The following is an entry in ClinVar:

NM_001378120.1(MBD5):c.2502A>C (p.Gln834His)

Gene: MBD5 (methyl-CpG binding domain protein 5; plus strand). Cytogenetic location: 2q23.1.
Variant type: single nucleotide variant.
Coding change: c.2502A>C on transcript NM_001378120.1 (MANE Select); coding-DNA position 2502, A replaced by C.
Protein change: p.Gln834His; replaces glutamine 834 with histidine.
Molecular consequence: missense variant.
Genome position (GRCh38, 1-based): chr2:148,470,445, A>C. VCF-style: chr2-148470445-A-C. GRCh37 (hg19) VCF-style: chr2-149228014-A-C.
Other names: c.2502A>C, p.Gln834His (NM_018328.5); short protein forms Q834H.
Identifiers: ClinVar variation 389768 (VCV000389768.16), dbSNP rs147272790, ClinGen allele CA1900147.

ClinVar aggregate classification (germline): Likely benign. Review status: criteria provided, multiple submitters, no conflicts (2 of 4 stars). 3 submissions from 3 submitters: Likely benign (2). 1 of the submissions does not count toward it. Last evaluated 2025-08-03.

Conditions:
MBD5-related disorder. Also called: MBD5-related condition.
Intellectual developmental disorder, autosomal dominant 1. Also called: MBD5 Haploinsufficiency; Intellectual disability, autosomal dominant 1. Identifiers: Orphanet 228402, MedGen C1969562, MONDO:0007974, OMIM 156200.

Allele frequency attached by ClinVar (database versions not stated): ExAC 0.00007; gnomAD 0.00021 and 0.00018; ESP Exome Variant Server 0.00046; TOPMed 0.00021.
gnomAD v4.1: 59 of 1,602,230 alleles (0.0037%); highest among the groups gnomAD compares: African/African-American, 0.071%; no homozygotes.

Submissions (3):

Labcorp Genetics (formerly Invitae), Labcorp
Classification: Likely benign for Intellectual developmental disorder, autosomal dominant 1. Last evaluated: 2025-08-03. Review status: criteria provided, single submitter. Criteria: Invitae Variant Classification Sherloc (09022015). Collection method: clinical testing. Allele origin: germline.

GeneDx
Classification: Likely benign. Last evaluated: 2021-03-29. Review status: criteria provided, single submitter. Criteria: GeneDx Variant Classification Process June 2021. Collection method: clinical testing. Allele origin: germline. Affected: yes.

PreventionGenetics, part of Exact Sciences
Classification: Likely benign for MBD5-related condition. Last evaluated: 2022-07-11. Review status: no assertion criteria provided. Collection method: clinical testing. Allele origin: germline. Not counted in ClinVar's aggregate classification.
Comment: This variant is classified as likely benign based on ACMG/AMP sequence variant interpretation guidelines (Richards et al. 2015 PMID: 25741868, with internal and published modifications).